The following is an entry in ClinVar:

NM_003867.4(FGF17):c.634C>T (p.Pro212Ser)

Gene: FGF17 (fibroblast growth factor 17; plus strand). Cytogenetic location: 8p21.3.
Variant type: single nucleotide variant.
Coding change: c.634C>T on transcript NM_003867.4 (MANE Select); coding-DNA position 634, C replaced by T.
Protein change: p.Pro212Ser; replaces proline 212 with serine.
Molecular consequence: missense variant.
Genome position (GRCh38, 1-based): chr8:22,048,232, C>T. VCF-style: chr8-22048232-C-T. GRCh37 (hg19) VCF-style: chr8-21905743-C-T.
Other names: c.601C>T, p.Pro201Ser (NM_001304478.1); short protein forms P201S, P212S.
Identifiers: ClinVar variation 2964040 (VCV002964040.3), dbSNP rs778556940, ClinGen allele CA4659950.

ClinVar aggregate classification (germline): Uncertain significance (1 of 4 stars; one submission).

Allele frequency attached by ClinVar (database versions not stated): gnomAD exomes 0.00002; TOPMed 0.00002; gnomAD 0.00003; ExAC 0.00007.
gnomAD v4.1: 29 of 1,607,048 alleles (0.0018%); highest among the groups gnomAD compares: Admixed American, 0.022%; no homozygotes.

Submission:

Labcorp Genetics (formerly Invitae), Labcorp
Classification: Uncertain significance. Last evaluated: 2023-07-12. Review status: criteria provided, single submitter. Criteria: Invitae Variant Classification Sherloc (09022015). Collection method: clinical testing. Allele origin: germline.
Comment: This variant has not been reported in the literature in individuals affected with FGF17-related conditions. This variant is present in population databases (rs778556940, gnomAD 0.02%), including at least one homozygous and/or hemizygous individual. This sequence change replaces proline, which is neutral and non-polar, with serine, which is neutral and polar, at codon 212 of the FGF17 protein (p.Pro212Ser). In summary, the available evidence is currently insufficient to determine the role of this variant in disease. Therefore, it has been classified as a Variant of Uncertain Significance. An algorithm developed to predict the effect of missense changes on protein structure and function (PolyPhen-2) suggests that this variant is likely to be disruptive.